The following is an entry in ClinVar:

ClinVar aggregate classification (germline): Uncertain significance (1 of 4 stars; one submission).

Submission:

Labcorp Genetics (formerly Invitae), Labcorp
Classification: Uncertain significance. Last evaluated: 2021-07-08. Review status: criteria provided, single submitter. Criteria: Invitae Variant Classification Sherloc (09022015). Collection method: clinical testing. Allele origin: germline.
Comment: This sequence change falls in intron 4 of the CNGB1 gene. It does not directly change the encoded amino acid sequence of the CNGB1 protein. It affects a nucleotide within the consensus splice site of the intron. This variant is not present in population databases (ExAC no frequency). This variant has not been reported in the literature in individuals affected with CNGB1-related conditions. Nucleotide substitutions within the consensus splice site are a relatively common cause of aberrant splicing (PMID: 17576681, 9536098). Algorithms developed to predict the effect of sequence changes on RNA splicing suggest that this variant is not likely to affect RNA splicing. In summary, the available evidence is currently insufficient to determine the role of this variant in disease. Therefore, it has been classified as a Variant of Uncertain Significance.

Literature cited by the submitters: PubMed 17576681; PubMed 9536098.

NM_001297.5(CNGB1):c.290+5T>C

Gene: CNGB1 (cyclic nucleotide gated channel subunit beta 1; minus strand). Cytogenetic location: 16q21.
Variant type: single nucleotide variant.
Coding change: c.290+5T>C on transcript NM_001297.5 (MANE Select); 5 bases into the intron after coding-DNA position 290, T replaced by C.
Molecular consequence: intron variant.
Genome position (GRCh38, 1-based): chr16:57,964,125, A>G on the plus strand (T>C on the coding strand, the complement: CNGB1 is on the minus strand). VCF-style: chr16-57964125-A-G. GRCh37 (hg19) VCF-style: chr16-57998029-A-G.
Other names: c.290+5T>C (NM_001286130.2, NM_001135639.2).
Identifiers: ClinVar variation 1518228 (VCV001518228.6), dbSNP rs2149388540, ClinGen allele CA2573152494.
Genomic context (GRCh38, chr16:57,964,125, plus strand): 5'-TCCCTAGCTGGGAGGGTAGTTGGGAGGCGGGCTGGCCCTGAAGAGAGGGGAGGGTGGTGC[A>G]GTACCTATTCATTTCAGAAATCTCAGCGCCCTGGGCCCGGAGGGATATGGTGGAAGTAAG-3'